The following is an entry in ClinVar:

ClinVar aggregate classification (germline): Uncertain significance (1 of 4 stars; one submission).

Conditions:
Ehlers-Danlos syndrome, type 4 (EDSVASC). Also called: Ehlers-Danlos Syndrome Type IV; Ehlers-Danlos syndrome vascular type; Ehlers Danlos syndrome, ecchymotic type; Ehlers Danlos syndrome, arterial type; Ehlers Danlos syndrome, Sack-Barabas type. Identifiers: Orphanet 286, MedGen C0268338, MONDO:0017314, OMIM 130050.

Submission:

All of Us Research Program, National Institutes of Health
Classification: Uncertain significance for Ehlers-Danlos syndrome, type 4. Last evaluated: 2023-03-04. Review status: criteria provided, single submitter. Criteria: ACMG Guidelines, 2015. Collection method: clinical testing. Allele origin: germline. Inheritance: Autosomal dominant inheritance. Observed: 1 variant allele, 1 heterozygote.
Comment: This study involves interpretation of variants in research participants for the purpose of population health screening. Participant phenotype was not available at the time of variant classification. Additional details can be found in publication PMID: 35346344, PMCID: PMC8962531

NM_000090.4(COL3A1):c.3683A>T (p.Lys1228Ile)

Gene: COL3A1 (collagen type III alpha 1 chain; plus strand). Cytogenetic location: 2q32.2.
Variant type: single nucleotide variant.
Coding change: c.3683A>T on transcript NM_000090.4 (MANE Select); coding-DNA position 3683, A replaced by T.
Protein change: p.Lys1228Ile; replaces lysine 1228 with isoleucine.
Molecular consequence: missense variant.
Genome position (GRCh38, 1-based): chr2:189,009,081, A>T. VCF-style: chr2-189009081-A-T. GRCh37 (hg19) VCF-style: chr2-189873807-A-T.
Other names: short protein forms K1228I.
Identifiers: ClinVar variation 3069539 (VCV003069539.1), dbSNP rs2469166227, ClinGen allele CA349847101.